The following is an entry in ClinVar:

ClinVar aggregate classification (germline): Uncertain significance. Review status: criteria provided, multiple submitters, no conflicts (2 of 4 stars). 2 submissions from 2 submitters: Uncertain significance (2). Last evaluated 2025-07-22.

Conditions:
Hereditary cancer-predisposing syndrome. Also called: Tumor predisposition; Hereditary neoplastic syndrome; Neoplastic Syndromes, Hereditary; Hereditary Cancer Syndrome. Identifiers: Orphanet 140162, MedGen C0027672, MeSH D009386, MONDO:0015356.

Allele frequency attached by ClinVar (database versions not stated): gnomAD exomes below 0.00001.

Submissions (2):

Labcorp Genetics (formerly Invitae), Labcorp
Classification: Uncertain significance. Last evaluated: 2025-07-22. Review status: criteria provided, single submitter. Criteria: Invitae Variant Classification Sherloc (09022015). Collection method: clinical testing. Allele origin: germline.
Comment: This sequence change disrupts the translational stop signal of the CTNNA1 mRNA. It is expected to extend the length of the CTNNA1 protein by 14 additional amino acid residues. This variant is present in population databases (no rsID available, gnomAD 0.0009%). This variant has not been reported in the literature in individuals affected with CTNNA1-related conditions. ClinVar contains an entry for this variant (Variation ID: 951316). Experimental studies and prediction algorithms are not available or were not evaluated, and the functional significance of this variant is currently unknown. In summary, the available evidence is currently insufficient to determine the role of this variant in disease. Therefore, it has been classified as a Variant of Uncertain Significance.

Ambry Genetics
Classification: Uncertain significance for Hereditary cancer-predisposing syndrome. Last evaluated: 2025-04-17. Review status: criteria provided, single submitter. Criteria: Ambry Variant Classification Scheme 2023. Collection method: clinical testing. Allele origin: germline.
Comment: The c.2719dupT variant (also known as p.*907Lext*14), located in coding exon 17 of the CTNNA1 gene, results from a duplication of T at nucleotide position 2719. This alteration disrupts the stop codon of the CTNNA1 gene and is predicted to preserve the native sequence while resulting in the elongation of the protein by 14 amino acids. The exact functional effect of the additional amino acids is unknown. Based on the available evidence, the clinical significance of this variant remains unclear.

NM_001903.5(CTNNA1):c.2719dup (p.Ter907LeuextTer?)

Gene: CTNNA1 (catenin alpha 1; plus strand). Cytogenetic location: 5q31.2.
Variant type: Duplication.
Coding change: c.2719dup on transcript NM_001903.5 (MANE Select); coding-DNA position 2719, one base duplicated (T; older notation c.2719dupT).
Protein change: p.Ter907LeuextTer?.
Molecular consequence: frameshift variant, stop lost. On other transcripts: 3 prime UTR variant (5).
Genome position (GRCh38, 1-based): chr5:138,934,087, T duplicated. VCF-style (leftmost placement, unchanged base first): chr5-138934086-C-CT. GRCh37 (hg19) VCF-style: chr5-138269775-C-CT.
Other names: c.*264dup (NM_001290307.3, NM_001324002.1, NM_001324003.1 and 2 more transcripts); c.2410dup, p.Ter804LeuextTer? (NM_001290309.3); c.2350dup, p.Ter784LeuextTer? (NM_001290310.3); c.1609dup, p.Ter537LeuextTer? (NM_001290312.1, NM_001323987.1, NM_001323988.1 and 12 more transcripts); c.2719dup, p.Ter907LeuextTer? (NM_001323982.2, NM_001323983.1, NM_001323984.2); c.2692dup, p.Ter898LeuextTer? (NM_001323985.2); c.2626dup, p.Ter876LeuextTer? (NM_001323986.2); c.1474dup, p.Ter492LeuextTer? (NM_001324001.1); and 3 more.
Identifiers: ClinVar variation 951316 (VCV000951316.11), dbSNP rs1561785552, ClinGen allele CA563498250.